The following is an entry in ClinVar:

NM_033063.2(MAP6):c.1230A>G (p.Lys410=)

Gene: MAP6 (microtubule associated protein 6; minus strand). Cytogenetic location: 11q13.5.
Variant type: single nucleotide variant.
Coding change: c.1230A>G on transcript NM_033063.2 (MANE Select); coding-DNA position 1230, A replaced by G.
Protein change: p.Lys410=; no amino-acid change (lysine 410 retained).
Molecular consequence: synonymous variant.
Genome position (GRCh38, 1-based): chr11:75,605,894, T>C on the plus strand (A>G on the coding strand, the complement: MAP6 is on the minus strand). VCF-style: chr11-75605894-T-C. GRCh37 (hg19) VCF-style: chr11-75316939-T-C.
Other names: c.1230A>G, p.Lys410= (NM_207577.1).
Identifiers: ClinVar variation 2642159 (VCV002642159.24), dbSNP rs147535669, ClinGen allele CA6191304.
Genomic context (GRCh38, chr11:75,605,894, plus strand): 5'-CATCTCTTTGCTTTGCTCCTTGTCGTCTGGCTTGGTGGTACTCGGGCCCTCCGCGCTCTT[T>C]TTCTTGGCAGCCTGGCCTGACACCGCCTGCTTGTCTTTGGCCTTCCTCGTGGGCTTATGG-3'
Protein context (NP_149052.1, residues 400-420): KQAVSGQAAK[Lys410=]KSAEGPSTTK

ClinVar aggregate classification (germline): Likely benign (1 of 4 stars; one submission).

Allele frequency attached by ClinVar (database versions not stated): gnomAD exomes 0.00008; TOPMed 0.00005; ExAC 0.00007; ESP Exome Variant Server 0.00008; gnomAD 0.00008.
gnomAD v4.1: 128 of 1,614,064 alleles (0.0079%); highest among the groups gnomAD compares: Non-Finnish European, 0.01%; no homozygotes.

Submission:

CeGaT Center for Human Genetics Tuebingen
Classification: Likely benign. Last evaluated: 2023-01-01. Review status: criteria provided, single submitter. Criteria: CeGaT Center For Human Genetics Tuebingen Variant Classification Criteria Version 2. Collection method: clinical testing. Allele origin: germline. Affected: yes. Observed: 1 variant allele.
Comment: MAP6: BP4, BP7